The following is an entry in ClinVar:

NM_001378454.1(ALMS1):c.12363-294A>C

Gene: ALMS1 (ALMS1 centrosome and basal body associated protein; plus strand). Cytogenetic location: 2p13.1.
Variant type: single nucleotide variant.
Coding change: c.12363-294A>C on transcript NM_001378454.1 (MANE Select); 294 bases into the intron before coding-DNA position 12363, A replaced by C.
Molecular consequence: intron variant.
Genome position (GRCh38, 1-based): chr2:73,608,181, A>C. VCF-style: chr2-73608181-A-C. GRCh37 (hg19) VCF-style: chr2-73835308-A-C.
Other names: c.12363-294A>C (NM_015120.4); c.12366-294A>C (NM_015120.4).
Identifiers: ClinVar variation 673722 (VCV000673722.1), dbSNP rs114257034, ClinGen allele CA50342222.

ClinVar aggregate classification (germline): Likely benign (1 of 4 stars; one submission).

Allele frequency attached by ClinVar (database versions not stated): 1000 Genomes Project 0.00958; 1000 Genomes Project 30x 0.00968; gnomAD 0.00986 and 0.01064; TOPMed 0.01124.
gnomAD v4.1: 1,486 of 152,298 alleles (0.98%); highest among the groups gnomAD compares: African/African-American, 3.4%; 36 homozygotes.

Submission:

GeneDx
Classification: Likely benign. Last evaluated: 2018-06-16. Review status: criteria provided, single submitter. Criteria: GeneDx Variant Classification (06012015). Collection method: clinical testing. Allele origin: germline. Affected: yes.
Comment: This variant is considered likely benign or benign based on one or more of the following criteria: it is a conservative change, it occurs at a poorly conserved position in the protein, it is predicted to be benign by multiple in silico algorithms, and/or has population frequency not consistent with disease.